The following is an entry in ClinVar:

NM_001042492.3(NF1):c.2343T>C (p.His781=)

Gene: NF1 (neurofibromin 1; plus strand). Cytogenetic location: 17q11.2.
Variant type: single nucleotide variant.
Coding change: c.2343T>C on transcript NM_001042492.3 (MANE Select); coding-DNA position 2343, T replaced by C.
Protein change: p.His781=; no amino-acid change (histidine 781 retained).
Molecular consequence: synonymous variant.
Genome position (GRCh38, 1-based): chr17:31,227,540, T>C. VCF-style: chr17-31227540-T-C. GRCh37 (hg19) VCF-style: chr17-29554558-T-C.
Other names: c.2343T>C, p.His781= (NM_000267.4).
Identifiers: ClinVar variation 2075343 (VCV002075343.5), dbSNP rs774248644, ClinGen allele CA499226086.

ClinVar aggregate classification (germline): Benign/Likely benign. Review status: criteria provided, multiple submitters, no conflicts (2 of 4 stars). 2 submissions from 2 submitters: Benign (1); Likely benign (1). Last evaluated 2026-05-18.

Conditions:
Neurofibromatosis, type 1 (NF1). Also called: Neurofibromatosis, type I; NEUROFIBROMATOSIS, TYPE I, SOMATIC; Peripheral type neurofibromatosis; VON RECKLINGHAUSEN DISEASE. Identifiers: Orphanet 636, MedGen C0027831, MONDO:0018975, OMIM 162200. Disease mechanism: loss of function.

Submissions (2):

Myriad Genetics, Inc.
Classification: Benign for Neurofibromatosis, type 1. Last evaluated: 2026-05-18. Review status: criteria provided, single submitter. Criteria: Myriad Autosomal Dominant, Autosomal Recessive and X-Linked Classification Criteria (2023). Collection method: clinical testing. Allele origin: unknown.
Comment: This variant is considered benign. This variant is a silent/synonymous amino acid change and it is not expected to impact splicing.

Labcorp Genetics (formerly Invitae), Labcorp
Classification: Likely benign for Neurofibromatosis, type 1. Last evaluated: 2025-01-05. Review status: criteria provided, single submitter. Criteria: Invitae Variant Classification Sherloc (09022015). Collection method: clinical testing. Allele origin: germline.